The following is an entry in ClinVar:

ClinVar aggregate classification (germline): Uncertain significance (1 of 4 stars; one submission).

Allele frequency attached by ClinVar (database versions not stated): gnomAD exomes below 0.00001.
gnomAD v4.1: 2 of 1,613,222 alleles (0.00012%); highest among the groups gnomAD compares: Non-Finnish European, 0.00017%; no homozygotes.

Submission:

Labcorp Genetics (formerly Invitae), Labcorp
Classification: Uncertain significance. Last evaluated: 2022-04-12. Review status: criteria provided, single submitter. Criteria: Invitae Variant Classification Sherloc (09022015). Collection method: clinical testing. Allele origin: germline.
Comment: This sequence change replaces phenylalanine, which is neutral and non-polar, with serine, which is neutral and polar, at codon 434 of the CNGB3 protein (p.Phe434Ser). This variant is not present in population databases (gnomAD no frequency). This variant has not been reported in the literature in individuals affected with CNGB3-related conditions. Advanced modeling of protein sequence and biophysical properties (such as structural, functional, and spatial information, amino acid conservation, physicochemical variation, residue mobility, and thermodynamic stability) performed at Invitae indicates that this missense variant is expected to disrupt CNGB3 protein function. In summary, the available evidence is currently insufficient to determine the role of this variant in disease. Therefore, it has been classified as a Variant of Uncertain Significance.

NM_019098.5(CNGB3):c.1301T>C (p.Phe434Ser)

Gene: CNGB3 (cyclic nucleotide gated channel subunit beta 3; minus strand). Cytogenetic location: 8q21.3.
Variant type: single nucleotide variant.
Coding change: c.1301T>C on transcript NM_019098.5 (MANE Select); coding-DNA position 1301, T replaced by C.
Protein change: p.Phe434Ser; replaces phenylalanine 434 with serine.
Molecular consequence: missense variant.
Genome position (GRCh38, 1-based): chr8:86,632,771, A>G on the plus strand (T>C on the coding strand, the complement: CNGB3 is on the minus strand). VCF-style: chr8-86632771-A-G. GRCh37 (hg19) VCF-style: chr8-87644999-A-G.
Other names: short protein forms F434S.
Identifiers: ClinVar variation 1413490 (VCV001413490.3), dbSNP rs2131585394, ClinGen allele CA371444066.